The following is an entry in ClinVar:

ClinVar aggregate classification (germline): Uncertain significance. Review status: criteria provided, multiple submitters, no conflicts (2 of 4 stars). 2 submissions from 2 submitters: Uncertain significance (2). Last evaluated 2025-12-08.

Conditions:
Long QT syndrome (LQTS). Identifiers: MedGen C0023976, MeSH D008133, MONDO:0002442. Disease mechanism: loss of function. Inheritance: Various modes of inheritance.
Cardiovascular phenotype. Identifiers: MedGen CN230736.

gnomAD v4.1: 3 of 1,424,596 alleles (0.00021%); highest among the groups gnomAD compares: Admixed American, 0.0083%; no homozygotes.

Submissions (2):

Ambry Genetics
Classification: Uncertain significance for Cardiovascular phenotype. Last evaluated: 2025-12-08. Review status: criteria provided, single submitter. Criteria: Ambry Variant Classification Scheme 2023. Collection method: clinical testing. Allele origin: germline.

Labcorp Genetics (formerly Invitae), Labcorp
Classification: Uncertain significance for Long QT syndrome. Last evaluated: 2025-06-03. Review status: criteria provided, single submitter. Criteria: Invitae Variant Classification Sherloc (09022015). Collection method: clinical testing. Allele origin: germline.
Comment: This sequence change replaces isoleucine, which is neutral and non-polar, with leucine, which is neutral and non-polar, at codon 324 of the AKAP9 protein (p.Ile324Leu). This variant is present in population databases (no rsID available, gnomAD 0.02%). This variant has not been reported in the literature in individuals affected with AKAP9-related conditions. ClinVar contains an entry for this variant (Variation ID: 1901027). An algorithm developed to predict the effect of missense changes on protein structure and function outputs the following: PolyPhen-2: "Benign". The leucine amino acid residue is found in multiple mammalian species, which suggests that this missense change does not adversely affect protein function. In summary, the available evidence is currently insufficient to determine the role of this variant in disease. Therefore, it has been classified as a Variant of Uncertain Significance.

NM_005751.5(AKAP9):c.970A>T (p.Ile324Leu)

Gene: AKAP9 (A-kinase anchoring protein 9; plus strand). Cytogenetic location: 7q21.2.
Variant type: single nucleotide variant.
Coding change: c.970A>T on transcript NM_005751.5 (MANE Select); coding-DNA position 970, A replaced by T.
Protein change: p.Ile324Leu; replaces isoleucine 324 with leucine.
Molecular consequence: missense variant.
Genome position (GRCh38, 1-based): chr7:92,000,887, A>T. VCF-style: chr7-92000887-A-T. GRCh37 (hg19) VCF-style: chr7-91630201-A-T.
Other names: c.970A>T, p.Ile324Leu (NM_147185.3); short protein forms I324L.
Identifiers: ClinVar variation 1901027 (VCV001901027.7), dbSNP rs906395966, ClinGen allele CA161906594.